The following is an entry in ClinVar:

ClinVar aggregate classification (germline): Pathogenic. Review status: reviewed by expert panel (3 of 4 stars). 3 submissions from 3 submitters: Pathogenic (1). 2 of the submissions do not count toward it. Last evaluated 2015-08-10.

Conditions:
Hereditary cancer-predisposing syndrome. Also called: Neoplastic Syndromes, Hereditary; Tumor predisposition; Hereditary neoplastic syndrome; Hereditary Cancer Syndrome. Identifiers: Orphanet 140162, MedGen C0027672, MeSH D009386, MONDO:0015356.
Breast-ovarian cancer, familial, susceptibility to, 2 (BROVCA2). Also called: BRCA2 Hereditary Breast and Ovarian Cancer. Identifiers: Orphanet 145, MedGen C2675520, MONDO:0012933, OMIM 612555. Disease mechanism: loss of function.

Submissions (3):

Evidence-based Network for the Interpretation of Germline Mutant Alleles (ENIGMA)
Classification: Pathogenic for Breast-ovarian cancer, familial 2. Last evaluated: 2015-08-10. Review status: reviewed by expert panel. Criteria: ENIGMA BRCA1/2 Classification Criteria (2015). Collection method: curation. Allele origin: germline.
Comment: IARC class based on posterior probability from multifactorial likelihood analysis, thresholds for class as per Plon et al. 2008 (PMID: 18951446). Class 5 based on posterior probability = 0.997

Color Diagnostics, LLC DBA Color Health
Classification: Pathogenic for Hereditary cancer-predisposing syndrome. Last evaluated: 2020-10-12. Review status: criteria provided, single submitter. Criteria: ACMG Guidelines, 2015. Collection method: clinical testing. Allele origin: germline. Not counted in ClinVar's aggregate classification.
Comment: This missense variant replaces arginine with threonine at codon 2659 of the BRCA2 protein. Computational prediction is inconclusive regarding the impact of this variant on protein structure and function (internally defined REVEL score threshold 0.5 < inconclusive < 0.7, PMID: 27666373). Functional RNA studies have shown that this variant causes skpping of exon 17 and reduced DNA repair activity (PMID: 18451181). This variant has been reported in individuals affected with breast/ovarian cancer in the literature (PMID: 16489001, 25447315). This variant has not been identified in the general population by the Genome Aggregation Database (gnomAD). Loss of BRCA2 function is a known mechanism of disease. Based on the available evidence, this variant is classified as Pathogenic.

Breast Cancer Information Core (BIC) (BRCA2)
Classification: Uncertain significance for Breast-ovarian cancer, familial 2. Last evaluated: 2003-12-23. Review status: no assertion criteria provided. Collection method: clinical testing. Allele origin: germline. Affected: yes. Observed: 1 variant allele. Not counted in ClinVar's aggregate classification.

Literature cited by the submitters: PubMed 18451181 (cited by Evidence-based Network for the Interpretation of Germline Mutant Alleles (ENIGMA)).

NM_000059.4(BRCA2):c.7976G>C (p.Arg2659Thr)

Gene: BRCA2 (BRCA2 DNA repair associated; plus strand). Cytogenetic location: 13q13.1.
Variant type: single nucleotide variant.
Coding change: c.7976G>C on transcript NM_000059.4 (MANE Select); coding-DNA position 7976, G replaced by C.
Protein change: p.Arg2659Thr; replaces arginine 2659 with threonine.
Molecular consequence: missense variant.
Genome position (GRCh38, 1-based): chr13:32,362,693, G>C. VCF-style: chr13-32362693-G-C. GRCh37 (hg19) VCF-style: chr13-32936830-G-C.
Other names: 8204G>C; short protein forms R2659T.
Identifiers: ClinVar variation 52455 (VCV000052455.6), dbSNP rs80359027, ClinGen allele CA025369.